The following is an entry in ClinVar:

NM_003482.4(KMT2D):c.12273G>A (p.Leu4091=)

Gene: KMT2D (lysine methyltransferase 2D; minus strand). Cytogenetic location: 12q13.12.
Variant type: single nucleotide variant.
Coding change: c.12273G>A on transcript NM_003482.4 (MANE Select); coding-DNA position 12273, G replaced by A.
Protein change: p.Leu4091=; no amino-acid change (leucine 4091 retained).
Molecular consequence: synonymous variant.
Genome position (GRCh38, 1-based): chr12:49,032,432, C>T on the plus strand (G>A on the coding strand, the complement: KMT2D is on the minus strand). VCF-style: chr12-49032432-C-T. GRCh37 (hg19) VCF-style: chr12-49426215-C-T.
Identifiers: ClinVar variation 3058796 (VCV003058796.2), dbSNP rs2120431230, ClinGen allele CA479708362.

ClinVar aggregate classification (germline): Likely benign (0 of 4 stars; one submission).

Conditions:
KMT2D-related disorder. Also called: KMT2D-Related Disorders.

Submission:

PreventionGenetics, part of Exact Sciences
Classification: Likely benign for KMT2D-related condition. Last evaluated: 2021-09-21. Review status: no assertion criteria provided. Collection method: clinical testing. Allele origin: germline.
Comment: This variant is classified as likely benign based on ACMG/AMP sequence variant interpretation guidelines (Richards et al. 2015 PMID: 25741868, with internal and published modifications).